The following is an entry in ClinVar:

NM_017841.4(SDHAF2):c.65T>C (p.Leu22Ser)

Gene: SDHAF2 (succinate dehydrogenase complex assembly factor 2; plus strand). Cytogenetic location: 11q12.2.
Variant type: single nucleotide variant.
Coding change: c.65T>C on transcript NM_017841.4 (MANE Select); coding-DNA position 65, T replaced by C.
Protein change: p.Leu22Ser; replaces leucine 22 with serine.
Molecular consequence: missense variant.
Genome position (GRCh38, 1-based): chr11:61,437,653, T>C. VCF-style: chr11-61437653-T-C. GRCh37 (hg19) VCF-style: chr11-61205125-T-C.
Other names: short protein forms L22S.
Identifiers: ClinVar variation 4161229 (VCV004161229.1).

ClinVar aggregate classification (germline): Uncertain significance (1 of 4 stars; one submission).

Conditions:
Hereditary cancer-predisposing syndrome. Also called: Neoplastic Syndromes, Hereditary; Tumor predisposition; Hereditary Cancer Syndrome; Hereditary neoplastic syndrome. Identifiers: Orphanet 140162, MedGen C0027672, MeSH D009386, MONDO:0015356.

Submission:

Ambry Genetics
Classification: Uncertain significance for Hereditary cancer-predisposing syndrome. Last evaluated: 2025-09-14. Review status: criteria provided, single submitter. Criteria: Ambry Variant Classification Scheme 2023. Collection method: clinical testing. Allele origin: germline.
Comment: The p.L22S variant (also known as c.65T>C), located in coding exon 2 of the SDHAF2 gene, results from a T to C substitution at nucleotide position 65. The leucine at codon 22 is replaced by serine, an amino acid with dissimilar properties. This amino acid position is conserved. In addition, this alteration is predicted to be tolerated by in silico analysis. Based on the available evidence, the clinical significance of this variant remains unclear.